The following is an entry in ClinVar:

ClinVar aggregate classification (germline): Uncertain significance (1 of 4 stars; one submission).

Conditions:
Werner syndrome (WRN). Identifiers: Orphanet 902, MedGen C0043119, MONDO:0010196, OMIM 277700.

Allele frequency attached by ClinVar (database versions not stated): gnomAD exomes below 0.00001.
gnomAD v4.1: 6 of 1,590,750 alleles (0.00038%); highest among the groups gnomAD compares: East Asian, 0.0022%; no homozygotes.

Submission:

Labcorp Genetics (formerly Invitae), Labcorp
Classification: Uncertain significance for Werner syndrome. Last evaluated: 2022-07-19. Review status: criteria provided, single submitter. Criteria: Invitae Variant Classification Sherloc (09022015). Collection method: clinical testing. Allele origin: germline.
Comment: This sequence change replaces cysteine, which is neutral and slightly polar, with tyrosine, which is neutral and polar, at codon 1115 of the WRN protein (p.Cys1115Tyr). This variant is not present in population databases (gnomAD no frequency). This variant has not been reported in the literature in individuals affected with WRN-related conditions. ClinVar contains an entry for this variant (Variation ID: 957637). Algorithms developed to predict the effect of missense changes on protein structure and function output the following: SIFT: "Not Available"; PolyPhen-2: "Benign"; Align-GVGD: "Not Available". The tyrosine amino acid residue is found in multiple mammalian species, which suggests that this missense change does not adversely affect protein function. In summary, the available evidence is currently insufficient to determine the role of this variant in disease. Therefore, it has been classified as a Variant of Uncertain Significance.

NM_000553.6(WRN):c.3344G>A (p.Cys1115Tyr)

Gene: WRN (WRN RecQ like helicase; plus strand). Cytogenetic location: 8p12.
Variant type: single nucleotide variant.
Coding change: c.3344G>A on transcript NM_000553.6 (MANE Select); coding-DNA position 3344, G replaced by A.
Protein change: p.Cys1115Tyr; replaces cysteine 1115 with tyrosine.
Molecular consequence: missense variant.
Genome position (GRCh38, 1-based): chr8:31,143,584, G>A. VCF-style: chr8-31143584-G-A. GRCh37 (hg19) VCF-style: chr8-31001100-G-A.
Other names: short protein forms C1115Y.
Identifiers: ClinVar variation 957637 (VCV000957637.4), dbSNP rs1802745669, ClinGen allele CA370924084.